The following is an entry in ClinVar:

NM_001363711.2(DUOX2):c.3948C>A (p.His1316Gln)

Gene: DUOX2 (dual oxidase 2; minus strand). Cytogenetic location: 15q21.1.
Variant type: single nucleotide variant.
Coding change: c.3948C>A on transcript NM_001363711.2 (MANE Select); coding-DNA position 3948, C replaced by A.
Protein change: p.His1316Gln; replaces histidine 1316 with glutamine.
Molecular consequence: missense variant.
Genome position (GRCh38, 1-based): chr15:45,095,960, G>T on the plus strand (C>A on the coding strand, the complement: DUOX2 is on the minus strand). VCF-style: chr15-45095960-G-T. GRCh37 (hg19) VCF-style: chr15-45388158-G-T.
Other names: c.3948C>A, p.His1316Gln (NM_014080.5); short protein forms H1316Q.
Identifiers: ClinVar variation 1522442 (VCV001522442.6), dbSNP rs766619891, ClinGen allele CA7537683.

ClinVar aggregate classification (germline): Uncertain significance (1 of 4 stars; one submission).

Allele frequency attached by ClinVar (database versions not stated): TOPMed below 0.00001; gnomAD exomes 0.00001; ExAC 0.00002.
gnomAD v4.1: 4 of 1,614,128 alleles (0.00025%); highest among the groups gnomAD compares: Non-Finnish European, 0.00025%; no homozygotes.

Submission:

Labcorp Genetics (formerly Invitae), Labcorp
Classification: Uncertain significance. Last evaluated: 2025-08-24. Review status: criteria provided, single submitter. Criteria: Invitae Variant Classification Sherloc (09022015). Collection method: clinical testing. Allele origin: germline.
Comment: This sequence change replaces histidine, which is basic and polar, with glutamine, which is neutral and polar, at codon 1316 of the DUOX2 protein (p.His1316Gln). This variant is present in population databases (rs766619891, gnomAD 0.002%). This variant has not been reported in the literature in individuals affected with DUOX2-related conditions. ClinVar contains an entry for this variant (Variation ID: 1522442). Invitae Evidence Modeling of protein sequence and biophysical properties (such as structural, functional, and spatial information, amino acid conservation, physicochemical variation, residue mobility, and thermodynamic stability) indicates that this missense variant is expected to disrupt DUOX2 protein function with a positive predictive value of 80%. In summary, the available evidence is currently insufficient to determine the role of this variant in disease. Therefore, it has been classified as a Variant of Uncertain Significance.